The following is an entry in ClinVar:

NM_001039.4(SCNN1G):c.605T>A (p.Val202Glu)

Gene: SCNN1G (sodium channel epithelial 1 subunit gamma; plus strand). Cytogenetic location: 16p12.2.
Variant type: single nucleotide variant.
Coding change: c.605T>A on transcript NM_001039.4 (MANE Select); coding-DNA position 605, T replaced by A.
Protein change: p.Val202Glu; replaces valine 202 with glutamic acid.
Molecular consequence: missense variant.
Genome position (GRCh38, 1-based): chr16:23,189,658, T>A. VCF-style: chr16-23189658-T-A. GRCh37 (hg19) VCF-style: chr16-23200979-T-A.
Other names: short protein forms V202E.
Identifiers: ClinVar variation 3579903 (VCV003579903.2).

ClinVar aggregate classification (germline): Uncertain significance. Review status: criteria provided, multiple submitters, no conflicts (2 of 4 stars). 2 submissions from 2 submitters: Uncertain significance (2). Last evaluated 2025-02-24.

Conditions:
Pseudohypoaldosteronism, type IB3, autosomal recessive (PHA1B3). Identifiers: MedGen C5774256, MONDO:0859318, OMIM 620126.
Bronchiectasis with or without elevated sweat chloride 3 (BESC3). Identifiers: Orphanet 60033, MedGen C2751324, MONDO:0013112, OMIM 613071.
Liddle syndrome 2. Identifiers: MedGen C4748251, MONDO:0020854, OMIM 618114.

gnomAD v4.1: 6 of 1,614,052 alleles (0.00037%); highest among the groups gnomAD compares: African/African-American, 0.008%; no homozygotes.

Submissions (2):

Women's Health and Genetics/Laboratory Corporation of America, LabCorp
Classification: Uncertain significance. Last evaluated: 2025-02-24. Review status: criteria provided, single submitter. Criteria: LabCorp Variant Classification Summary - May 2015. Collection method: clinical testing. Allele origin: germline.
Comment: Variant summary: SCNN1G c.605T>A (p.Val202Glu) results in a non-conservative amino acid change in the encoded protein sequence. Five of five in-silico tools predict a damaging effect of the variant on protein function. The variant allele was found at a frequency of 8e-06 in 251450 control chromosomes. The available data on variant occurrences in the general population are insufficient to allow any conclusion about variant significance. To our knowledge, no occurrence of c.605T>A in individuals affected with SCNN1G-Related Disorders and no experimental evidence demonstrating its impact on protein function have been reported. No submitters have cited clinical-significance assessments for this variant to ClinVar. Based on the evidence outlined above, the variant was classified as uncertain significance.

Fulgent Genetics
Classification: Uncertain significance for Bronchiectasis with or without elevated sweat chloride 3; Liddle syndrome 2; Pseudohypoaldosteronism, type IB3, autosomal recessive. Last evaluated: 2024-01-13. Review status: criteria provided, single submitter. Criteria: ACMG Guidelines, 2015. Collection method: clinical testing. Allele origin: germline.